The following is an entry in ClinVar:

NM_025265.4(TSEN2):c.1016del (p.Phe339fs)

Gene: TSEN2 (tRNA splicing endonuclease subunit 2; plus strand). Cytogenetic location: 3p25.2.
Variant type: Deletion.
Coding change: c.1016del on transcript NM_025265.4 (MANE Select); coding-DNA position 1016, one base deleted (T; older notation c.1016delT).
Protein change: p.Phe339fs; shifts the reading frame from phenylalanine 339.
Molecular consequence: frameshift variant. On other transcripts: non-coding transcript variant (1).
Genome position (GRCh38, 1-based): chr3:12,519,114, T deleted; the last of 2 consecutive T bases (chr3:12,519,113-12,519,114); deleting either gives the same sequence. VCF-style (leftmost placement, unchanged base first): chr3-12519112-GT-G. GRCh37 (hg19) VCF-style: chr3-12560611-GT-G.
Other names: c.1016del, p.Phe339fs (NM_001321277.2, NM_001321278.2, NM_001145392.2); c.938del, p.Phe313fs (NM_001321279.2, NM_001145393.3); c.839del, p.Phe280fs (NM_001145394.2); short protein forms F313fs, F280fs, F339fs.
Identifiers: ClinVar variation 3692161 (VCV003692161.2).

ClinVar aggregate classification (germline): Pathogenic (1 of 4 stars; one submission).

Submission:

Labcorp Genetics (formerly Invitae), Labcorp
Classification: Pathogenic. Last evaluated: 2025-03-16. Review status: criteria provided, single submitter. Criteria: Invitae Variant Classification Sherloc (09022015). Collection method: clinical testing. Allele origin: germline.
Comment: This sequence change creates a premature translational stop signal (p.Phe339Serfs*48) in the TSEN2 gene. It is expected to result in an absent or disrupted protein product. Loss-of-function variants in TSEN2 are known to be pathogenic (PMID: 38438125, 20952379). This variant is not present in population databases (gnomAD no frequency). This variant has not been reported in the literature in individuals affected with TSEN2-related conditions. For these reasons, this variant has been classified as Pathogenic.

Literature cited by the submitters: PubMed 38438125; PubMed 20952379.